The following is an entry in ClinVar:

NM_004782.4(SNAP29):c.586C>T (p.Arg196Ter)

Gene: SNAP29 (synaptosome associated protein 29; plus strand). Cytogenetic location: 22q11.21.
Variant type: single nucleotide variant.
Coding change: c.586C>T on transcript NM_004782.4 (MANE Select); coding-DNA position 586, C replaced by T.
Protein change: p.Arg196Ter; replaces arginine 196 with a stop codon.
Molecular consequence: nonsense.
Genome position (GRCh38, 1-based): chr22:20,883,536, C>T. VCF-style: chr22-20883536-C-T. GRCh37 (hg19) VCF-style: chr22-21237824-C-T.
Other names: short protein forms R196*.
Identifiers: ClinVar variation 1934206 (VCV001934206.5), dbSNP rs909351177, ClinGen allele CA322275172.

ClinVar aggregate classification (germline): Conflicting classifications of pathogenicity. Review status: criteria provided, conflicting classifications (1 of 4 stars). 2 submissions from 2 submitters: Likely pathogenic (1); Uncertain significance (1). Last evaluated 2025-09-08.

Conditions:
CEDNIK syndrome. Also called: Cerebral dysgenesis, neuropathy, ichthyosis, and palmoplantar keratoderma; CEREBRAL DYSGENESIS, NEUROPATHY, ICHTHYOSIS, AND PALMOPLANTAR KERATODERMA SYNDROME. Identifiers: Orphanet 66631, MedGen C1836033, MONDO:0012290, OMIM 609528.

gnomAD v4.1: 11 of 1,613,414 alleles (0.00068%); highest among the groups gnomAD compares: Admixed American, 0.0067%; no homozygotes.

Submissions (2):

Labcorp Genetics (formerly Invitae), Labcorp
Classification: Uncertain significance. Last evaluated: 2025-09-08. Review status: criteria provided, single submitter. Criteria: Invitae Variant Classification Sherloc (09022015). Collection method: clinical testing. Allele origin: germline.
Comment: This sequence change creates a premature translational stop signal (p.Arg196*) in the SNAP29 gene. While this is not anticipated to result in nonsense mediated decay, it is expected to disrupt the last 63 amino acid(s) of the SNAP29 protein. This variant is present in population databases (no rsID available, gnomAD 0.009%). This premature translational stop signal has been observed in individual(s) with SNAP29-related conditions (PMID: 31069529). ClinVar contains an entry for this variant (Variation ID: 1934206). Algorithms developed to predict the effect of sequence changes on RNA splicing suggest that this variant may disrupt the consensus splice site. This variant disrupts a region of the SNAP29 protein in which other variant(s) (p.Glu208*) have been observed in individuals with SNAP29-related conditions (PMID: 33977139). This suggests that this is a clinically significant region of the protein, and that variants that disrupt it are likely to be disease-causing. In summary, the available evidence is currently insufficient to determine the role of this variant in disease. Therefore, it has been classified as a Variant of Uncertain Significance.

Fulgent Genetics
Classification: Likely pathogenic for CEDNIK syndrome. Last evaluated: 2024-02-13. Review status: criteria provided, single submitter. Criteria: ACMG Guidelines, 2015. Collection method: clinical testing. Allele origin: germline.

Literature cited by the submitters: PubMed 31069529 (cited by Labcorp Genetics (formerly Invitae), Labcorp); PubMed 33977139 (cited by Labcorp Genetics (formerly Invitae), Labcorp).